The following is an entry in ClinVar:

NM_022552.5(DNMT3A):c.448+61G>A

Gene: DNMT3A (DNA methyltransferase 3 alpha; minus strand). Cytogenetic location: 2p23.3.
Variant type: single nucleotide variant.
Coding change: c.448+61G>A on transcript NM_022552.5 (MANE Select); 61 bases into the intron after coding-DNA position 448, G replaced by A.
Molecular consequence: intron variant. On other transcripts: 3 prime UTR variant (2).
Genome position (GRCh38, 1-based): chr2:25,282,380, C>T on the plus strand (G>A on the coding strand, the complement: DNMT3A is on the minus strand). VCF-style: chr2-25282380-C-T. GRCh37 (hg19) VCF-style: chr2-25505249-C-T.
Other names: c.*8G>A (NM_001320892.2, NM_175630.1); c.448+61G>A (NM_175629.2).
Identifiers: ClinVar variation 4998247 (VCV004998247.1).
Genomic context (GRCh38, chr2:25,282,380, plus strand): 5'-AAGCAGACCTTTAGCCACGACCCAGACCATCCTTCCTGGGACCTGCTGGAGAGCCAAGTC[C>T]CTGACTCTCAGGGTATGCTGGTGGGCCCAGAAGAGGCTGCCCCTGGTGCTGAGGACTCAC-3'

ClinVar aggregate classification (germline): Likely benign (1 of 4 stars; one submission).

Conditions:
DNMT3A-related disorder. Also called: DNMT3A-related condition; DNMT3A-related disorders.

gnomAD v4.1: 12 of 1,572,300 alleles (0.00076%); highest among the groups gnomAD compares: Non-Finnish European, 0.00086%; no homozygotes.

Submission:

PreventionGenetics, part of Exact Sciences
Classification: Likely benign for DNMT3A-related condition. Last evaluated: 2024-12-02. Review status: criteria provided, single submitter. Criteria: ACMG Guidelines, 2015. Collection method: clinical testing. Allele origin: germline.
Comment: This variant is classified as likely benign based on ACMG/AMP sequence variant interpretation guidelines (Richards et al. 2015 PMID: 25741868, with internal and published modifications).